The following is an entry in ClinVar:

ClinVar aggregate classification (germline): Conflicting classifications of pathogenicity. Review status: criteria provided, conflicting classifications (1 of 4 stars). 4 submissions from 4 submitters: Uncertain significance (1); Benign (2); Likely benign (1). Last evaluated 2025-08-20.

Allele frequency attached by ClinVar (database versions not stated): gnomAD exomes 0.00027 and 0.00062; ExAC 0.00068; 1000 Genomes Project 30x 0.00156; 1000 Genomes Project 0.00160; gnomAD 0.00206 and 0.00220; ESP Exome Variant Server 0.00215; TOPMed 0.00253.
gnomAD v4.1: 731 of 1,614,150 alleles (0.045%); highest among the groups gnomAD compares: African/African-American, 0.77%; 3 homozygotes.

Submissions (4):

Ambry Genetics
Classification: Uncertain significance. Last evaluated: 2025-08-20. Review status: criteria provided, single submitter. Criteria: Ambry Variant Classification Scheme 2023. Collection method: clinical testing. Allele origin: germline.

CeGaT Center for Human Genetics Tuebingen
Classification: Likely benign. Last evaluated: 2023-05-01. Review status: criteria provided, single submitter. Criteria: CeGaT Center For Human Genetics Tuebingen Variant Classification Criteria Version 2. Collection method: clinical testing. Allele origin: germline. Affected: yes. Observed: 1 variant allele.
Comment: PEG3: BP4

Labcorp Genetics (formerly Invitae), Labcorp
Classification: Benign. Last evaluated: 2018-06-27. Review status: criteria provided, single submitter. Criteria: Invitae Variant Classification Sherloc (09022015). Collection method: clinical testing. Allele origin: germline.

Breakthrough Genomics
Classification: Benign. Review status: criteria provided, single submitter. Criteria: ACMG Guidelines, 2015. Collection method: not provided. Allele origin: germline. Inheritance: Unknown mechanism. Affected: yes.

NM_006210.3(PEG3):c.4506A>T (p.Glu1502Asp)

Genes: PEG3 (paternally expressed 3; minus strand), ZIM2 (zinc finger imprinted 2; minus strand). Cytogenetic location: 19q13.43.
Variant type: single nucleotide variant.
Coding change: c.4506A>T on transcript NM_006210.3 (MANE Select); coding-DNA position 4506, A replaced by T.
Protein change: p.Glu1502Asp; replaces glutamic acid 1502 with aspartic acid.
Molecular consequence: missense variant. On other transcripts: intron variant (11).
Genome position (GRCh38, 1-based): chr19:56,813,936, T>A on the plus strand (A>T on the coding strand, the complement: PEG3 is on the minus strand). VCF-style: chr19-56813936-T-A. GRCh37 (hg19) VCF-style: chr19-57325304-T-A.
Other names: c.4506A>T (NM_006210.2); c.4506A>T, p.Glu1502Asp (NM_001146184.2); c.4128A>T, p.Glu1376Asp (NM_001146185.2); c.4134A>T, p.Glu1378Asp (NM_001146187.2, NM_001369729.1, NM_001369730.1 and 13 more transcripts); c.4512A>T, p.Glu1504Asp (NM_001369717.1, NM_001369718.1); c.4041A>T, p.Glu1347Asp (NM_001369734.1, NM_001369735.1, NM_001369736.1 and 2 more transcripts); c.397+4664A>T (NM_015363.5, NM_001387358.1, NM_001146326.2 and 5 more transcripts); c.490+3810A>T (NM_001369774.1, NM_001369773.1, NM_001387356.1); and 1 more; short protein forms E1347D, E1378D, E1504D, E1502D, E1376D, E1473D.
Identifiers: ClinVar variation 787144 (VCV000787144.29), dbSNP rs147772587, ClinGen allele CA9693036.